The following is an entry in ClinVar:

NM_001040151.2(SCN3B):c.395G>A (p.Arg132Gln)

Gene: SCN3B (sodium voltage-gated channel beta subunit 3; minus strand). Cytogenetic location: 11q24.1.
Variant type: single nucleotide variant.
Coding change: c.395G>A on transcript NM_001040151.2 (MANE Select); coding-DNA position 395, G replaced by A.
Protein change: p.Arg132Gln; replaces arginine 132 with glutamine.
Molecular consequence: missense variant.
Genome position (GRCh38, 1-based): chr11:123,642,496, C>T on the plus strand (G>A on the coding strand, the complement: SCN3B is on the minus strand). VCF-style: chr11-123642496-C-T. GRCh37 (hg19) VCF-style: chr11-123513204-C-T.
Other names: c.395G>A, p.Arg132Gln (NM_018400.4); short protein forms R132Q.
Identifiers: ClinVar variation 644208 (VCV000644208.14), dbSNP rs755967151, ClinGen allele CA6334027.
Genomic context (GRCh38, chr11:123,642,496, plus strand): 5'-TCAGCCTCACCCTCCTCGGTGACTCTTAGGGGGATCAGCCGCGTCGTCTTCACAAAGGGC[C>T]GATGCGCCTCAAACTCAAACTCCCGGGACACATTGCAGGTGTAGAGGCCAGAGTCGTTCA-3'
Protein context (NP_001035241.1, residues 122-142): VSREFEFEAH[Arg132Gln]PFVKTTRLIP

ClinVar aggregate classification (germline): Conflicting classifications of pathogenicity. Review status: criteria provided, conflicting classifications (1 of 4 stars). 4 submissions from 4 submitters: Uncertain significance (3); Likely benign (1). Last evaluated 2025-04-13.

Conditions:
Brugada syndrome 7 (BRGDA7). Identifiers: Orphanet 130, MedGen C2751088, MONDO:0013146, OMIM 613120.
Cardiovascular phenotype. Identifiers: MedGen CN230736.

Allele frequency attached by ClinVar (database versions not stated): ExAC 0.00002; gnomAD exomes 0.00002 and 0.00004; gnomAD 0.00003; TOPMed 0.00004.
gnomAD v4.1: 58 of 1,613,972 alleles (0.0036%); highest among the groups gnomAD compares: Non-Finnish European, 0.0044%; no homozygotes.

Submissions (4):

Ambry Genetics
Classification: Uncertain significance for Cardiovascular phenotype. Last evaluated: 2025-04-13. Review status: criteria provided, single submitter. Criteria: Ambry Variant Classification Scheme 2023. Collection method: clinical testing. Allele origin: germline.

Labcorp Genetics (formerly Invitae), Labcorp
Classification: Uncertain significance for Brugada syndrome 7. Last evaluated: 2024-04-08. Review status: criteria provided, single submitter. Criteria: Invitae Variant Classification Sherloc (09022015). Collection method: clinical testing. Allele origin: germline.
Comment: This sequence change replaces arginine, which is basic and polar, with glutamine, which is neutral and polar, at codon 132 of the SCN3B protein (p.Arg132Gln). This variant is present in population databases (rs755967151, gnomAD 0.01%). This variant has not been reported in the literature in individuals affected with SCN3B-related conditions. ClinVar contains an entry for this variant (Variation ID: 644208). An algorithm developed to predict the effect of missense changes on protein structure and function (PolyPhen-2) suggests that this variant¬†is likely to be tolerated. In summary, the available evidence is currently insufficient to determine the role of this variant in disease. Therefore, it has been classified as a Variant of Uncertain Significance.

Blueprint Genetics
Classification: Likely benign. Last evaluated: 2023-08-17. Review status: criteria provided, single submitter. Criteria: ACMG Guidelines, 2015. Collection method: clinical testing. Allele origin: germline.

Fulgent Genetics
Classification: Uncertain significance for Brugada syndrome 7. Last evaluated: 2021-09-28. Review status: criteria provided, single submitter. Criteria: ACMG Guidelines, 2015. Collection method: clinical testing. Allele origin: unknown.